The following is an entry in ClinVar:

ClinVar aggregate classification (germline): Conflicting classifications of pathogenicity. Review status: criteria provided, conflicting classifications (1 of 4 stars). 3 submissions from 3 submitters: Uncertain significance (2); Likely benign (1). Last evaluated 2025-09-30.

Allele frequency attached by ClinVar (database versions not stated): ExAC 0.00024; gnomAD 0.00026 and 0.00027; gnomAD exomes 0.00028; TOPMed 0.00031; ESP Exome Variant Server 0.00047.
gnomAD v4.1: 326 of 1,208,073 alleles (0.027%); highest among the groups gnomAD compares: Admixed American, 0.05%; 1 homozygote.

Submissions (3):

Labcorp Genetics (formerly Invitae), Labcorp
Classification: Uncertain significance. Last evaluated: 2025-09-30. Review status: criteria provided, single submitter. Criteria: Invitae Variant Classification Sherloc (09022015). Collection method: clinical testing. Allele origin: germline.
Comment: This sequence change replaces glutamine, which is neutral and polar, with arginine, which is basic and polar, at codon 457 of the GYG2 protein (p.Gln457Arg). This variant is present in population databases (rs144947653, gnomAD 0.05%). This variant has not been reported in the literature in individuals affected with GYG2-related conditions. ClinVar contains an entry for this variant (Variation ID: 383274). An algorithm developed to predict the effect of missense changes on protein structure and function (PolyPhen-2) suggests that this variant is likely to be tolerated. In summary, the available evidence is currently insufficient to determine the role of this variant in disease. Therefore, it has been classified as a Variant of Uncertain Significance.

Ambry Genetics
Classification: Uncertain significance. Last evaluated: 2025-08-14. Review status: criteria provided, single submitter. Criteria: Ambry Variant Classification Scheme 2023. Collection method: clinical testing. Allele origin: germline.

GeneDx
Classification: Likely benign. Last evaluated: 2020-06-19. Review status: criteria provided, single submitter. Criteria: GeneDx Variant Classification Process June 2021. Collection method: clinical testing. Allele origin: germline. Affected: yes.

NM_001079855.2(GYG2):c.1277A>G (p.Gln426Arg)

Gene: GYG2 (glycogenin 2; plus strand). Cytogenetic location: Xp22.33.
Variant type: single nucleotide variant.
Coding change: c.1277A>G on transcript NM_001079855.2 (MANE Select); coding-DNA position 1277, A replaced by G.
Protein change: p.Gln426Arg; replaces glutamine 426 with arginine.
Molecular consequence: missense variant.
Genome position (GRCh38, 1-based): chrX:2,881,077, A>G. VCF-style: chrX-2881077-A-G. GRCh37 (hg19) VCF-style: chrX-2799118-A-G.
Other names: c.1274A>G, p.Gln425Arg (NM_001184702.2); c.1157A>G, p.Gln386Arg (NM_001184703.2); c.599A>G, p.Gln200Arg (NM_001184704.2); c.1370A>G, p.Gln457Arg (NM_003918.3); short protein forms Q457R, Q200R, Q425R, Q386R, Q426R.
Identifiers: ClinVar variation 383274 (VCV000383274.11), dbSNP rs144947653, ClinGen allele CA10337329.